The following is an entry in ClinVar:

NM_001165963.4(SCN1A):c.2792G>C (p.Arg931Pro)

Gene: SCN1A (sodium voltage-gated channel alpha subunit 1; minus strand). Cytogenetic location: 2q24.3.
Variant type: single nucleotide variant.
Coding change: c.2792G>C on transcript NM_001165963.4 (MANE Select); coding-DNA position 2792, G replaced by C.
Protein change: p.Arg931Pro; replaces arginine 931 with proline.
Molecular consequence: missense variant. On other transcripts: non-coding transcript variant (1).
Genome position (GRCh38, 1-based): chr2:166,037,930, C>G on the plus strand (G>C on the coding strand, the complement: SCN1A is on the minus strand). VCF-style: chr2-166037930-C-G. GRCh37 (hg19) VCF-style: chr2-166894440-C-G.
Other names: c.2708G>C, p.Arg903Pro (NM_001165964.3, NM_001353957.2, NM_001353958.2); c.2792G>C, p.Arg931Pro (NM_001202435.3, NM_001353948.2); c.2759G>C, p.Arg920Pro (NM_001353949.2, NM_001353950.2, NM_001353951.2 and 2 more transcripts); c.2756G>C, p.Arg919Pro (NM_001353954.2, NM_001353955.2); c.2705G>C, p.Arg902Pro (NM_001353960.2); c.350G>C, p.Arg117Pro (NM_001353961.2); short protein forms R920P, R931P, R903P, R902P, R919P, R117P.
Identifiers: ClinVar variation 189961 (VCV000189961.16), dbSNP rs794726718, ClinGen allele CA303413.

ClinVar aggregate classification (germline): Pathogenic/Likely pathogenic. Review status: criteria provided, multiple submitters, no conflicts (2 of 4 stars). 3 submissions from 3 submitters: Pathogenic (2); Likely pathogenic (1). Last evaluated 2025-09-01.

Conditions:
Early-infantile DEE. Also called: Ohtahara syndrome; Early infantile epileptic encephalopathy with suppression bursts; Early infantile epileptic encephalopathy. Identifiers: Orphanet 1934, MedGen C0393706, MONDO:0800491.
Severe myoclonic epilepsy in infancy (DRVT). Also called: SEVERE MYOCLONIC EPILEPSY OF INFANCY; DEVELOPMENTAL AND EPILEPTIC ENCEPHALOPATHY 6A; Severe Myoclonic Epilepsy in Infancy (SMEI); Dravet syndrome; Epileptic encephalopathy, early infantile, 6 (Dravet syndrome). Identifiers: Orphanet 33069, MedGen C0751122, MONDO:0100135, OMIM 607208.

Submissions (3):

CeGaT Center for Human Genetics Tuebingen
Classification: Likely pathogenic. Last evaluated: 2025-09-01. Review status: criteria provided, single submitter. Criteria: CeGaT Center For Human Genetics Tuebingen Variant Classification Criteria Version 2. Collection method: clinical testing. Allele origin: germline. Affected: yes. Observed: 1 variant allele.
Comment: SCN1A: PM1, PM2, PM5, PP2, PS4:Supporting

Labcorp Genetics (formerly Invitae), Labcorp
Classification: Pathogenic for Early-infantile DEE. Last evaluated: 2023-08-30. Review status: criteria provided, single submitter. Criteria: Invitae Variant Classification Sherloc (09022015). Collection method: clinical testing. Allele origin: germline.
Comment: Advanced modeling of protein sequence and biophysical properties (such as structural, functional, and spatial information, amino acid conservation, physicochemical variation, residue mobility, and thermodynamic stability) performed at Invitae indicates that this missense variant is expected to disrupt SCN1A protein function. For these reasons, this variant has been classified as Pathogenic. This variant disrupts the p.Arg931 amino acid residue in SCN1A. Other variant(s) that disrupt this residue have been determined to be pathogenic (PMID: 12083760, 18076640, 22780858, 25243660, 27231140, 28079314; Invitae). This suggests that this residue is clinically significant, and that variants that disrupt this residue are likely to be disease-causing. ClinVar contains an entry for this variant (Variation ID: 189961). This missense change has been observed in individual(s) with clinical features of developmental and epileptic encephalopathy and/or Dravet syndrome (PMID: 26096185; Invitae). In at least one individual the variant was observed to be de novo. This variant is not present in population databases (gnomAD no frequency). This sequence change replaces arginine, which is basic and polar, with proline, which is neutral and non-polar, at codon 931 of the SCN1A protein (p.Arg931Pro).

Center for Bioinformatics, Peking University
Classification: Pathogenic for Dravet syndrome. Last evaluated: 2014-12-20. Review status: criteria provided, single submitter. Criteria: Xu et al. (Hum Mutat. 2015). Collection method: research. Allele origin: de novo. Affected: yes. Observed: 1 variant allele. Study: University Clinical Cooperation “985 Project” PKU-2014-1-1.
Comment: Dravet syndrome (DS) probands were recruited from the outpatient and inpatient child neurology units of Peking University First Hospital from 2005 till present. The study was approved by the Ethics Committee of Peking University First Hospital and the Institutional Review Board at Peking University. Participants or their parents provided written informed consent before enrollment. We collected a total of 267 mutations from 255 families with probands diagnosed with DS in China. All probands fulfilled the clinical diagnostic criteria.

Literature cited by the submitters: PubMed 12083760 (cited by Labcorp Genetics (formerly Invitae), Labcorp); PubMed 18076640 (cited by Labcorp Genetics (formerly Invitae), Labcorp); PubMed 22780858 (cited by Labcorp Genetics (formerly Invitae), Labcorp); PubMed 25243660 (cited by Labcorp Genetics (formerly Invitae), Labcorp); PubMed 27231140 (cited by Labcorp Genetics (formerly Invitae), Labcorp); PubMed 28079314 (cited by Labcorp Genetics (formerly Invitae), Labcorp); PubMed 26096185 (cited by Labcorp Genetics (formerly Invitae), Labcorp).